The following is an entry in ClinVar:

NM_005360.5(MAF):c.1181A>T (p.His394Leu)

Gene: MAF (MAF bZIP transcription factor; minus strand). Cytogenetic location: 16q23.2.
Variant type: single nucleotide variant.
Coding change: c.1181A>T on transcript NM_005360.5 (MANE Select); coding-DNA position 1181, A replaced by T.
Protein change: p.His394Leu; replaces histidine 394 with leucine.
Molecular consequence: missense variant. On other transcripts: 3 prime UTR variant (1).
Genome position (GRCh38, 1-based): chr16:79,594,491, T>A on the plus strand (A>T on the coding strand, the complement: MAF is on the minus strand). VCF-style: chr16-79594491-T-A. GRCh37 (hg19) VCF-style: chr16-79628388-T-A.
Other names: c.1181A>T (NM_005360.4); c.*4290A>T (NM_001031804.3); short protein forms H394L.
Identifiers: ClinVar variation 3339647 (VCV003339647.2).
Genomic context (GRCh38, chr16:79,594,491, plus strand): 5'-TTTTTTAATGTACAGCTCTCACACAAATTTCATTTTGTGAACACACTGGTAAGTACACGA[T>A]GCTGGGGCTTCCAAAATGTGGCGTATCCCACTGATGGCTCCAACTTGCGAGTGGGCTCAG-3'
Protein context (NP_005351.2, residues 384-403): VGYATFWKPQ[His394Leu]RVLTSVFTK

ClinVar aggregate classification (germline): Uncertain significance. Review status: criteria provided, multiple submitters, no conflicts (2 of 4 stars). 2 submissions from 2 submitters: Uncertain significance (2). Last evaluated 2025-11-25.

Conditions:
Inborn genetic diseases. Identifiers: MedGen C0950123, MeSH D030342.

gnomAD v4.1: 20 of 1,566,000 alleles (0.0013%); highest among the groups gnomAD compares: Non-Finnish European, 0.0017%; no homozygotes.

Submissions (2):

Ambry Genetics
Classification: Uncertain significance for Inborn genetic diseases. Last evaluated: 2025-11-25. Review status: criteria provided, single submitter. Criteria: Ambry Variant Classification Scheme 2023. Collection method: clinical testing. Allele origin: germline.

Women's Health and Genetics/Laboratory Corporation of America, LabCorp
Classification: Uncertain significance. Last evaluated: 2024-06-10. Review status: criteria provided, single submitter. Criteria: LabCorp Variant Classification Summary - May 2015. Collection method: clinical testing. Allele origin: germline.
Comment: Variant summary: MAF c.1181A>T (p.His394Leu) results in a non-conservative amino acid change in the encoded protein sequence. Three of five in-silico tools predict a benign effect of the variant on protein function. The variant allele was found at a frequency of 5.5e-06 in 182414 control chromosomes (gnomAD). The available data on variant occurrences in the general population are insufficient to allow any conclusion about variant significance. To our knowledge, no occurrence of c.1181A>T in individuals affected with MAF-Related Disorders and no experimental evidence demonstrating its impact on protein function have been reported. No submitters have cited clinical-significance assessments for this variant to ClinVar. Based on the evidence outlined above, the variant was classified as uncertain significance.